The following is an entry in ClinVar:

ClinVar aggregate classification (germline): Uncertain significance (1 of 4 stars; one submission).

Submission:

Labcorp Genetics (formerly Invitae), Labcorp
Classification: Uncertain significance. Last evaluated: 2025-06-03. Review status: criteria provided, single submitter. Criteria: Invitae Variant Classification Sherloc (09022015). Collection method: clinical testing. Allele origin: germline.
Comment: This sequence change replaces alanine, which is neutral and non-polar, with threonine, which is neutral and polar, at codon 336 of the POLR3B protein (p.Ala336Thr). This variant is not present in population databases (gnomAD no frequency). This missense change has been observed in individual(s) with clinical features of leukodystrophy (PMID: 37197783). Invitae Evidence Modeling of protein sequence and biophysical properties (such as structural, functional, and spatial information, amino acid conservation, physicochemical variation, residue mobility, and thermodynamic stability) indicates that this missense variant is not expected to disrupt POLR3B protein function with a negative predictive value of 80%. In summary, the available evidence is currently insufficient to determine the role of this variant in disease. Therefore, it has been classified as a Variant of Uncertain Significance.

Literature cited by the submitters: PubMed 37197783.

NM_018082.6(POLR3B):c.1006G>A (p.Ala336Thr)

Gene: POLR3B (RNA polymerase III subunit B; plus strand). Cytogenetic location: 12q23.3.
Variant type: single nucleotide variant.
Coding change: c.1006G>A on transcript NM_018082.6 (MANE Select); coding-DNA position 1006, G replaced by A.
Protein change: p.Ala336Thr; replaces alanine 336 with threonine.
Molecular consequence: missense variant.
Genome position (GRCh38, 1-based): chr12:106,410,865, G>A. VCF-style: chr12-106410865-G-A. GRCh37 (hg19) VCF-style: chr12-106804643-G-A.
Other names: c.832G>A, p.Ala278Thr (NM_001160708.2); short protein forms A278T, A336T.
Identifiers: ClinVar variation 4771056 (VCV004771056.1).
Genomic context (GRCh38, chr12:106,410,865, plus strand): 5'-TCTCCAATTTCTGACTTACAGGTTAAGGAATTCAATTTCCGAGCCAAATGTATCTATACT[G>A]CAGTGATGGTGCGAAGAGTTATTCTGGCCCAAGGAGATAATAAAGTTGACGACAGAGATT-3'
Protein context (NP_060552.4, residues 326-346): FNFRAKCIYT[Ala336Thr]VMVRRVILAQ